The following is an entry in ClinVar:

NM_000051.4(ATM):c.6976-19T>C

Genes: ATM (ATM serine/threonine kinase; plus strand), C11orf65 (chromosome 11 open reading frame 65; minus strand). Cytogenetic location: 11q22.3.
Variant type: single nucleotide variant.
Coding change: c.6976-19T>C on transcript NM_000051.4 (MANE Select); 19 bases into the intron before coding-DNA position 6976, T replaced by C.
Molecular consequence: intron variant.
Genome position (GRCh38, 1-based): chr11:108,327,626, T>C. VCF-style: chr11-108327626-T-C. GRCh37 (hg19) VCF-style: chr11-108198353-T-C.
Other names: c.6976-19T>C (NM_001351834.2); c.641-18555A>G (NM_001330368.2); c.*38+7594A>G (NM_001351110.2).
Identifiers: ClinVar variation 490683 (VCV000490683.15), dbSNP rs1026199027, ClinGen allele CA228414207.

ClinVar aggregate classification (germline): Benign/Likely benign. Review status: criteria provided, multiple submitters, no conflicts (2 of 4 stars). 5 submissions from 5 submitters: Benign (1); Likely benign (4). Last evaluated 2026-02-04.

Conditions:
Hereditary cancer-predisposing syndrome. Also called: Hereditary Cancer Syndrome; Neoplastic Syndromes, Hereditary; Tumor predisposition; Hereditary neoplastic syndrome. Identifiers: Orphanet 140162, MedGen C0027672, MeSH D009386, MONDO:0015356.
Ataxia-telangiectasia syndrome (AT). Also called: Cerebello-oculocutaneous telangiectasia; Immunodeficiency with ataxia telangiectasia; Ataxia-telangiectasia, complementation group E; Ataxia-telangiectasia, complementation group D; AT, COMPLEMENTATION GROUP C; ATAXIA-TELANGIECTASIA, COMPLEMENTATION GROUP A. Identifiers: Orphanet 100, MedGen C0004135, MONDO:0008840, OMIM 208900.
Familial cancer of breast. Also called: BREAST CANCER, FAMILIAL; Hereditary breast cancer; hereditary breast carcinoma. Identifiers: Orphanet 227535, MedGen C0346153, MONDO:0016419, OMIM 114480. Disease mechanism: loss of function.

Allele frequency attached by ClinVar (database versions not stated): gnomAD exomes below 0.00001; TOPMed 0.00001.
gnomAD v4.1: 7 of 1,589,120 alleles (0.00044%); highest among the groups gnomAD compares: East Asian, 0.0022%; no homozygotes.

Submissions (5):

Labcorp Genetics (formerly Invitae), Labcorp
Classification: Likely benign for Ataxia-telangiectasia syndrome. Last evaluated: 2026-02-04. Review status: criteria provided, single submitter. Criteria: Invitae Variant Classification Sherloc (09022015). Collection method: clinical testing. Allele origin: germline.

Myriad Genetics, Inc.
Classification: Likely benign for Familial cancer of breast. Last evaluated: 2024-06-12. Review status: criteria provided, single submitter. Criteria: Myriad Autosomal Dominant, Autosomal Recessive and X-Linked Classification Criteria (2023). Collection method: clinical testing. Allele origin: unknown.
Comment: This variant is considered likely benign. This variant is intronic and is not expected to impact mRNA splicing.

Blueprint Genetics
Classification: Likely benign. Last evaluated: 2024-03-05. Review status: criteria provided, single submitter. Criteria: ACMG Guidelines, 2015. Collection method: clinical testing. Allele origin: germline.

Color Diagnostics, LLC DBA Color Health
Classification: Likely benign for Hereditary cancer-predisposing syndrome. Last evaluated: 2015-11-25. Review status: criteria provided, single submitter. Criteria: ACMG Guidelines, 2015. Collection method: clinical testing. Allele origin: germline.

GeneDx
Classification: Benign. Last evaluated: 2015-04-17. Review status: criteria provided, single submitter. Criteria: GeneDx Variant Classification Process June 2021. Collection method: clinical testing. Allele origin: germline. Affected: yes.